The following is an entry in ClinVar:

NM_001127208.3(TET2):c.653T>A (p.Val218Glu)

Genes: TET2 (tet methylcytosine dioxygenase 2; plus strand), TET2-AS1 (TET2 antisense RNA 1; minus strand). Cytogenetic location: 4q24.
Variant type: single nucleotide variant.
Coding change: c.653T>A on transcript NM_001127208.3 (MANE Select); coding-DNA position 653, T replaced by A.
Protein change: p.Val218Glu; replaces valine 218 with glutamic acid.
Molecular consequence: missense variant.
Genome position (GRCh38, 1-based): chr4:105,234,595, T>A. VCF-style: chr4-105234595-T-A. GRCh37 (hg19) VCF-style: chr4-106155752-T-A.
Other names: c.653T>A, p.Val218Glu (NM_017628.4); short protein forms V218E.
Identifiers: ClinVar variation 3967704 (VCV003967704.1).

ClinVar aggregate classification (germline): Uncertain significance (1 of 4 stars; one submission).

Submission:

Ambry Genetics
Classification: Uncertain significance. Last evaluated: 2025-06-09. Review status: criteria provided, single submitter. Criteria: Ambry Variant Classification Scheme 2023. Collection method: clinical testing. Allele origin: germline.
Comment: The p.V218E variant (also known as c.653T>A), located in coding exon 1 of the TET2 gene, results from a T to A substitution at nucleotide position 653. The valine at codon 218 is replaced by glutamic acid, an amino acid with dissimilar properties. This amino acid position is conserved. In addition, this alteration is predicted to be tolerated by in silico analysis. Based on the available evidence, the clinical significance of this variant remains unclear.